The following is an entry in ClinVar:

ClinVar aggregate classification (germline): Uncertain significance. Review status: criteria provided, multiple submitters, no conflicts (2 of 4 stars). 3 submissions from 3 submitters: Uncertain significance (3). Last evaluated 2025-05-26.

Conditions:
Hereditary cancer-predisposing syndrome. Also called: Neoplastic Syndromes, Hereditary; Hereditary Cancer Syndrome; Hereditary neoplastic syndrome; Tumor predisposition. Identifiers: Orphanet 140162, MedGen C0027672, MeSH D009386, MONDO:0015356.
Gastrointestinal stromal tumor. Also called: Gastrointestinal stroma tumor; Gastrointestinal stromal tumor, somatic. Identifiers: Orphanet 44890, MedGen C0238198, MeSH D046152, MONDO:0011719, OMIM 606764, HP:0100723.

Allele frequency attached by ClinVar (database versions not stated): gnomAD exomes below 0.00001; ExAC 0.00001.
gnomAD v4.1: 1 of 1,613,696 alleles (0.000062%); highest among the groups gnomAD compares: Non-Finnish European, 0.000085%; no homozygotes.

Submissions (3):

Labcorp Genetics (formerly Invitae), Labcorp
Classification: Uncertain significance for Gastrointestinal stromal tumor. Last evaluated: 2025-05-26. Review status: criteria provided, single submitter. Criteria: Invitae Variant Classification Sherloc (09022015). Collection method: clinical testing. Allele origin: germline.
Comment: This sequence change replaces glycine, which is neutral and non-polar, with glutamic acid, which is acidic and polar, at codon 251 of the PDGFRA protein (p.Gly251Glu). This variant is present in population databases (rs771701353, gnomAD 0.0009%). This variant has not been reported in the literature in individuals affected with PDGFRA-related conditions. ClinVar contains an entry for this variant (Variation ID: 407435). Invitae Evidence Modeling of protein sequence and biophysical properties (such as structural, functional, and spatial information, amino acid conservation, physicochemical variation, residue mobility, and thermodynamic stability) indicates that this missense variant is not expected to disrupt PDGFRA protein function with a negative predictive value of 80%. Experimental studies have shown that this missense change does not substantially affect PDGFRA function (PMID: 30761385). In summary, the available evidence is currently insufficient to determine the role of this variant in disease. Therefore, it has been classified as a Variant of Uncertain Significance.

Ambry Genetics
Classification: Uncertain significance for Hereditary cancer-predisposing syndrome. Last evaluated: 2025-02-04. Review status: criteria provided, single submitter. Criteria: Ambry Variant Classification Scheme 2023. Collection method: clinical testing. Allele origin: germline.
Comment: The p.G251E variant (also known as c.752G>A), located in coding exon 4 of the PDGFRA gene, results from a G to A substitution at nucleotide position 752. The glycine at codon 251 is replaced by glutamic acid, an amino acid with similar properties. This amino acid position is highly conserved in available vertebrate species. In addition, this alteration is predicted to be deleterious by in silico analysis. Based on the available evidence, the clinical significance of this variant remains unclear.

Sema4
Classification: Uncertain significance for Hereditary cancer-predisposing syndrome. Last evaluated: 2021-05-14. Review status: criteria provided, single submitter. Criteria: Sema4 Curation Guidelines. Collection method: curation. Allele origin: germline.
Comment: The PDGFRA c.752G>A (p.G251E) variant has been reported in a tumor sample by one study (PMID: 30761385). This variant was observed in 1/113716 chromosomes in the Non-Finnish European subpopulation according to the Genome Aggregation Database (PMID: 32461654). This variant has been reported in ClinVar (Variation ID: 407435). In silico tools suggest the impact of the variant on protein function is inconclusive, though these predictions have not been confirmed by functional studies. The overall evidence is insufficient to meet ACMG/AMP criteria for classifying it as benign or pathogenic. In summary, the clinical significance of this variant is currently uncertain.

Literature cited by the submitters: PubMed 30761385 (cited by Labcorp Genetics (formerly Invitae), Labcorp and Sema4).

NM_006206.6(PDGFRA):c.752G>A (p.Gly251Glu)

Gene: PDGFRA (platelet derived growth factor receptor alpha; plus strand). Cytogenetic location: 4q12.
Variant type: single nucleotide variant.
Coding change: c.752G>A on transcript NM_006206.6 (MANE Select); coding-DNA position 752, G replaced by A.
Protein change: p.Gly251Glu; replaces glycine 251 with glutamic acid.
Molecular consequence: missense variant.
Genome position (GRCh38, 1-based): chr4:54,265,042, G>A. VCF-style: chr4-54265042-G-A. GRCh37 (hg19) VCF-style: chr4-55131209-G-A.
Other names: c.752G>A, p.Gly251Glu (NM_001347827.2, NM_001347829.2); c.827G>A, p.Gly276Glu (NM_001347828.2); c.791G>A, p.Gly264Glu (NM_001347830.2); short protein forms G251E, G264E, G276E.
Identifiers: ClinVar variation 407435 (VCV000407435.11), dbSNP rs771701353, ClinGen allele CA2922364.